The following is an entry in ClinVar:

ClinVar aggregate classification (germline): Uncertain significance. Review status: criteria provided, multiple submitters, no conflicts (2 of 4 stars). 2 submissions from 2 submitters: Uncertain significance (2). Last evaluated 2022-10-31.

Conditions:
Neonatal-onset encephalopathy with rigidity and seizures. Also called: Lethal neonatal spasticity-epileptic encephalopathy syndrome. Identifiers: Orphanet 435845, MedGen C3281029, MONDO:0013784, OMIM 614498.

Allele frequency attached by ClinVar (database versions not stated): ExAC 0.00001; gnomAD 0.00003; TOPMed 0.00003; ESP Exome Variant Server 0.00008.
gnomAD v4.1: 58 of 1,607,636 alleles (0.0036%); highest among the groups gnomAD compares: Non-Finnish European, 0.0047%; no homozygotes.

Submissions (2):

Labcorp Genetics (formerly Invitae), Labcorp
Classification: Uncertain significance for Neonatal-onset encephalopathy with rigidity and seizures. Last evaluated: 2022-10-31. Review status: criteria provided, single submitter. Criteria: Invitae Variant Classification Sherloc (09022015). Collection method: clinical testing. Allele origin: germline.
Comment: This sequence change replaces threonine, which is neutral and polar, with asparagine, which is neutral and polar, at codon 418 of the BRAT1 protein (p.Thr418Asn). This variant is present in population databases (rs150583862, gnomAD 0.004%). This variant has not been reported in the literature in individuals affected with BRAT1-related conditions. Advanced modeling of protein sequence and biophysical properties (such as structural, functional, and spatial information, amino acid conservation, physicochemical variation, residue mobility, and thermodynamic stability) performed at Invitae indicates that this missense variant is not expected to disrupt BRAT1 protein function. In summary, the available evidence is currently insufficient to determine the role of this variant in disease. Therefore, it has been classified as a Variant of Uncertain Significance.

Blueprint Genetics
Classification: Uncertain significance. Last evaluated: 2019-06-24. Review status: criteria provided, single submitter. Criteria: ACMG Guidelines, 2015. Collection method: clinical testing. Allele origin: germline.

NM_152743.4(BRAT1):c.1253C>A (p.Thr418Asn)

Gene: BRAT1 (BRCA1 associated ATM activator 1; minus strand). Cytogenetic location: 7p22.3.
Variant type: single nucleotide variant.
Coding change: c.1253C>A on transcript NM_152743.4 (MANE Select); coding-DNA position 1253, C replaced by A.
Protein change: p.Thr418Asn; replaces threonine 418 with asparagine.
Molecular consequence: missense variant. On other transcripts: non-coding transcript variant (1).
Genome position (GRCh38, 1-based): chr7:2,541,366, G>T on the plus strand (C>A on the coding strand, the complement: BRAT1 is on the minus strand). VCF-style: chr7-2541366-G-T. GRCh37 (hg19) VCF-style: chr7-2581000-G-T.
Other names: c.1253C>A, p.Thr418Asn (NM_001350626.2); c.728C>A, p.Thr243Asn (NM_001350627.2); short protein forms T418N, T243N.
Identifiers: ClinVar variation 2172773 (VCV002172773.2), dbSNP rs150583862, ClinGen allele CA4127867.